The following is an entry in ClinVar:

ClinVar aggregate classification (germline): Pathogenic (1 of 4 stars; one submission).

Submission:

ISCA site 4
Classification: Pathogenic. Last evaluated: 2011-08-12. Review status: criteria provided, single submitter. Criteria: Kaminsky et al. (Genet Med. 2011). Collection method: clinical testing. Allele origin: de novo. Affected: yes. Observed: 1 variant allele.
Comment: Copy number variation identified through the course of routine clinical cytogenomic testing in postnatal populations. Clinical assertions have been curated as described in Kaminsky et al. 2011.

GRCh38/hg38 8q21.11-21.13(chr8:73519300-82655582)x1

Genes: GDAP1 (ganglioside induced differentiation associated protein 1; plus strand), HEY1 (hes related family bHLH transcription factor with YRPW motif 1; minus strand), HNF4G (hepatocyte nuclear factor 4 gamma; plus strand), IL7 (interleukin 7; minus strand), IMPA1 (inositol monophosphatase 1; minus strand) and 169 more. Cytogenetic location: 8q21.11-21.13.
Variant type: copy number loss.
Change: copy number 1 (one copy instead of two) of chr8:73,519,300-82,655,582 (9.14 Mb, GRCh38 coordinates, 1-based), cytogenetic band 8q21.11-21.13.
Identifiers: ClinVar variation 57417 (VCV000057417.1).